The following is an entry in ClinVar:

NM_001083116.3(PRF1):c.948C>A (p.Phe316Leu)

Gene: PRF1 (perforin 1; minus strand). Cytogenetic location: 10q22.1.
Variant type: single nucleotide variant.
Coding change: c.948C>A on transcript NM_001083116.3 (MANE Select); coding-DNA position 948, C replaced by A.
Protein change: p.Phe316Leu; replaces phenylalanine 316 with leucine.
Molecular consequence: missense variant.
Genome position (GRCh38, 1-based): chr10:70,598,773, G>T on the plus strand (C>A on the coding strand, the complement: PRF1 is on the minus strand). VCF-style: chr10-70598773-G-T. GRCh37 (hg19) VCF-style: chr10-72358529-G-T.
Other names: c.948C>A, p.Phe316Leu (NM_005041.6); short protein forms F316L.
Identifiers: ClinVar variation 835503 (VCV000835503.8), dbSNP rs201235771, ClinGen allele CA5538872.
Genomic context (GRCh38, chr10:70,598,773, plus strand): 5'-AGGGCTGCCGGGCAGCGAGTTTACCCAGGCTGAGTACTGCTCGGGCCCGGCCTGGATCCC[G>T]AACAGCAGGTCGTTAATGGAGGTGTGATGGCCGCCAACCACTTCCGAGTGGCGCTCCCGG-3'
Protein context (NP_001076585.1, residues 306-326): GHHTSINDLL[Phe316Leu]GIQAGPEQYS

ClinVar aggregate classification (germline): Uncertain significance. Review status: criteria provided, multiple submitters, no conflicts (2 of 4 stars). 2 submissions from 2 submitters: Uncertain significance (2). Last evaluated 2023-05-05.

Conditions:
Familial hemophagocytic lymphohistiocytosis 2 (FHL2). Also called: PRF1-Related Familial Hemophagocytic Lymphohistiocytosis (PRF1-fHLH). Identifiers: Orphanet 540, MedGen C1863727, MONDO:0011337, OMIM 603553.

Allele frequency attached by ClinVar (database versions not stated): TOPMed 0.00003.

Submissions (2):

Blueprint Genetics
Classification: Uncertain significance. Last evaluated: 2023-05-05. Review status: criteria provided, single submitter. Criteria: ACMG Guidelines, 2015. Collection method: clinical testing. Allele origin: germline.

Labcorp Genetics (formerly Invitae), Labcorp
Classification: Uncertain significance for Familial hemophagocytic lymphohistiocytosis 2. Last evaluated: 2022-11-01. Review status: criteria provided, single submitter. Criteria: Invitae Variant Classification Sherloc (09022015). Collection method: clinical testing. Allele origin: germline.
Comment: This sequence change replaces phenylalanine, which is neutral and non-polar, with leucine, which is neutral and non-polar, at codon 316 of the PRF1 protein (p.Phe316Leu). This variant is present in population databases (rs201235771, gnomAD 0.005%). This variant has not been reported in the literature in individuals affected with PRF1-related conditions. ClinVar contains an entry for this variant (Variation ID: 835503). Advanced modeling of protein sequence and biophysical properties (such as structural, functional, and spatial information, amino acid conservation, physicochemical variation, residue mobility, and thermodynamic stability) has been performed at Invitae for this missense variant, however the output from this modeling did not meet the statistical confidence thresholds required to predict the impact of this variant on PRF1 protein function. In summary, the available evidence is currently insufficient to determine the role of this variant in disease. Therefore, it has been classified as a Variant of Uncertain Significance.